The following is an entry in ClinVar:

NM_000321.3(RB1):c.724G>A (p.Ala242Thr)

Gene: RB1 (RB transcriptional corepressor 1; plus strand). Cytogenetic location: 13q14.2.
Variant type: single nucleotide variant.
Coding change: c.724G>A on transcript NM_000321.3 (MANE Select); coding-DNA position 724, G replaced by A.
Protein change: p.Ala242Thr; replaces alanine 242 with threonine.
Molecular consequence: missense variant.
Genome position (GRCh38, 1-based): chr13:48,362,820, G>A. VCF-style: chr13-48362820-G-A. GRCh37 (hg19) VCF-style: chr13-48936956-G-A.
Other names: c.724G>A, p.Ala242Thr (NM_001407165.1, NM_001407166.1); short protein forms A242T.
Identifiers: ClinVar variation 1757911 (VCV001757911.7), dbSNP rs2138112090, ClinGen allele CA388159229.

ClinVar aggregate classification (germline): Uncertain significance. Review status: criteria provided, multiple submitters, no conflicts (2 of 4 stars). 3 submissions from 3 submitters: Uncertain significance (3). Last evaluated 2025-09-21.

Conditions:
Hereditary cancer-predisposing syndrome. Also called: Neoplastic Syndromes, Hereditary; Tumor predisposition; Hereditary Cancer Syndrome; Hereditary neoplastic syndrome. Identifiers: Orphanet 140162, MedGen C0027672, MeSH D009386, MONDO:0015356.
Retinoblastoma (RB1). Also called: RETINOBLASTOMA, SOMATIC. Identifiers: Orphanet 790, MedGen C0035335, MeSH D012175, MONDO:0008380, OMIM 180200, HP:0009919. Disease mechanism: loss of function. Inheritance: Both sporadic and heritable forms are tested..

Submissions (3):

Labcorp Genetics (formerly Invitae), Labcorp
Classification: Uncertain significance for Retinoblastoma. Last evaluated: 2025-09-21. Review status: criteria provided, single submitter. Criteria: Invitae Variant Classification Sherloc (09022015). Collection method: clinical testing. Allele origin: germline.
Comment: This sequence change replaces alanine, which is neutral and non-polar, with threonine, which is neutral and polar, at codon 242 of the RB1 protein (p.Ala242Thr). This variant is not present in population databases (gnomAD no frequency). This variant has not been reported in the literature in individuals affected with RB1-related conditions. ClinVar contains an entry for this variant (Variation ID: 1757911). Invitae Evidence Modeling of protein sequence and biophysical properties (such as structural, functional, and spatial information, amino acid conservation, physicochemical variation, residue mobility, and thermodynamic stability) indicates that this missense variant is not expected to disrupt RB1 protein function with a negative predictive value of 80%. In summary, the available evidence is currently insufficient to determine the role of this variant in disease. Therefore, it has been classified as a Variant of Uncertain Significance.

Ambry Genetics
Classification: Uncertain significance for Hereditary cancer-predisposing syndrome. Last evaluated: 2025-07-17. Review status: criteria provided, single submitter. Criteria: Ambry Variant Classification Scheme 2023. Collection method: clinical testing. Allele origin: germline.
Comment: The p.A242T variant (also known as c.724G>A), located in coding exon 8 of the RB1 gene, results from a G to A substitution at nucleotide position 724. The alanine at codon 242 is replaced by threonine, an amino acid with similar properties. This amino acid position is highly conserved in available vertebrate species. In addition, this alteration is predicted to be tolerated by in silico analysis. Since supporting evidence is limited at this time, the clinical significance of this alteration remains unclear.

All of Us Research Program, National Institutes of Health
Classification: Uncertain significance for Retinoblastoma. Last evaluated: 2023-03-23. Review status: criteria provided, single submitter. Criteria: ACMG Guidelines, 2015. Collection method: clinical testing. Allele origin: germline. Inheritance: Autosomal dominant inheritance. Observed: 1 variant allele, 1 heterozygote.
Comment: This missense variant replaces alanine with threonine at codon 242 of the RB1 protein. Computational prediction suggests that this variant may not impact protein structure and function (internally defined REVEL score threshold <= 0.5, PMID: 27666373). To our knowledge, functional studies have not been reported for this variant. This variant has not been reported in individuals affected with RB1-related disorders in the literature. This variant has not been identified in the general population by the Genome Aggregation Database (gnomAD). The available evidence is insufficient to determine the role of this variant in disease conclusively. Therefore, this variant is classified as a Variant of Uncertain Significance.

This study involves interpretation of variants in research participants for the purpose of population health screening. Participant phenotype was not available at the time of variant classification. Additional details can be found in publication PMID: 35346344, PMCID: PMC8962531